The following is an entry in ClinVar:

ClinVar aggregate classification (germline): Uncertain significance. Review status: criteria provided, multiple submitters, no conflicts (2 of 4 stars). 13 submissions from 13 submitters: Uncertain significance (12). 1 of the submissions does not count toward it. Last evaluated 2026-01-19.

Conditions:
Cardiomyopathy (CMYO). Also called: Cardiomyopathies. Identifiers: Orphanet 167848, MedGen C0878544, MONDO:0004994, HP:0001638. Inheritance: Various modes of inheritance.
Cardiovascular phenotype. Identifiers: MedGen CN230736.
Left ventricular noncompaction 10 (LVNC10). Identifiers: Orphanet 154, Orphanet 54260, MedGen C3715165, MONDO:0014163, OMIM 615396.
Hypertrophic cardiomyopathy 4. Also called: Familial hypertrophic cardiomyopathy 4. Identifiers: MedGen C1861862, MONDO:0007268, OMIM 115197.
Hypertrophic cardiomyopathy. Also called: HYPERTROPHIC MYOCARDIOPATHY. Identifiers: Orphanet 217569, MedGen C0007194, MeSH D002312, MONDO:0005045, HP:0001639.

Allele frequency attached by ClinVar (database versions not stated): TOPMed 0.00002; 1000 Genomes Project 30x 0.00031; 1000 Genomes Project 0.00020.
gnomAD v4.1: 43 of 1,528,322 alleles (0.0028%); highest among the groups gnomAD compares: Admixed American, 0.03%; no homozygotes.

Submissions (13):

Labcorp Genetics (formerly Invitae), Labcorp
Classification: Uncertain significance for Hypertrophic cardiomyopathy. Last evaluated: 2026-01-19. Review status: criteria provided, single submitter. Criteria: Invitae Variant Classification Sherloc (09022015). Collection method: clinical testing. Allele origin: germline.
Comment: This sequence change replaces proline, which is neutral and non-polar, with leucine, which is neutral and non-polar, at codon 873 of the MYBPC3 protein (p.Pro873Leu). This variant is present in population databases (rs371401403, gnomAD 0.03%), and has an allele count higher than expected for a pathogenic variant. This missense change has been observed in individual(s) with left ventricular noncompaction or dilated cardiomyopathy (PMID: 21551322, 25163546, 27173948, 34819141). This variant is also known as c.2673C>T. ClinVar contains an entry for this variant (Variation ID: 64615). An algorithm developed to predict the effect of missense changes on protein structure and function (PolyPhen-2) suggests that this variant is likely to be disruptive. In summary, the available evidence is currently insufficient to determine the role of this variant in disease. Therefore, it has been classified as a Variant of Uncertain Significance.

Dasa
Classification: Uncertain significance. Last evaluated: 2025-07-11. Review status: criteria provided, single submitter. Criteria: DASA Assertion Criteria. Collection method: clinical testing. Allele origin: germline.
Comment: NM_000256.3(MYBPC3):c.2618C>T (p.Pro873Leu) is a missense variant that results in the substitution of proline with leucine. This variant is rare in population databases. Computational prediction algorithms are consistent with a deleterious effect. The currently available literature and clinical evidence are not sufficient to establish a definitive association between this variant and the reported condition. Therefore, this variant is classified as a variant of uncertain significance.

Ambry Genetics
Classification: Uncertain significance for Cardiovascular phenotype. Last evaluated: 2025-06-18. Review status: criteria provided, single submitter. Criteria: Ambry Variant Classification Scheme 2023. Collection method: clinical testing. Allele origin: germline.
Comment: The p.P873L variant (also known as c.2618C>T), located in coding exon 26 of the MYBPC3 gene, results from a C to T substitution at nucleotide position 2618. The proline at codon 873 is replaced by leucine, an amino acid with similar properties. This variant has been detected in a patient with left ventricular noncompaction and heart failure (Probst S et al. Circ Cardiovasc Genet, 2011 Aug;4:367-74). This variant has also been reported in an individual with dilated cardiomyopathy, developmental delay and hearing loss who also had a variant in the CASK gene; however, four relatives with MYBPC3 p.P873L had normal echocardiograms (Reinstein E et al. Genet Res (Camb). 2016 05;98:e8). Additionally, this alteration was detected as a secondary cardiac variant in an exome cohort in an individual without known cardiomyopathy (Ng D et al. Circ Cardiovasc Genet, 2013 Aug;6:337-46). This variant was also reported in a dilated cardiomyopathy (DCM) cohort (Pe&ntilde;a-Pe&ntilde;a ML et al. Med Clin (Barc), 2021 May;156:485-495). This amino acid position is highly conserved in available vertebrate species. In addition, this alteration is predicted to be deleterious by in silico analysis. Since supporting evidence is limited at this time, the clinical significance of this alteration remains unclear.

Revvity Omics, Revvity
Classification: Uncertain significance. Last evaluated: 2025-01-17. Review status: criteria provided, single submitter. Criteria: ACMG Guidelines, 2015. Collection method: clinical testing. Allele origin: germline.

All of Us Research Program, National Institutes of Health
Classification: Uncertain significance for Hypertrophic cardiomyopathy. Last evaluated: 2024-05-30. Review status: criteria provided, single submitter. Criteria: ACMG Guidelines, 2015. Collection method: clinical testing. Allele origin: germline. Inheritance: Autosomal dominant inheritance. Observed: 21 variant alleles, 21 heterozygotes.
Comment: This missense variant replaces proline with leucine at codon 873 of the MYBPC3 protein. Computational prediction suggests that this variant may have a deleterious impact on protein structure and function (internally defined REVEL score threshold >= 0.7, PMID: 27666373). To our knowledge, functional studies have not been reported for this variant. This variant has been reported an individual affected with hypertrophic cardiomyopathy (PMID: 27600940) and in an individual affected with isolated left ventricular non-compaction cardiomyopathy (PMID: 21551322). It has also been reported in two individuals affected with dilated cardiomyopathy as well as in one healthy relative (PMID: 27173948, 32826072). This variant has been identified in 13/207756 chromosomes in the general population by the Genome Aggregation Database (gnomAD). The available evidence is insufficient to determine the role of this variant in disease conclusively. Therefore, this variant is classified as a Variant of Uncertain Significance.

This study involves interpretation of variants in research participants for the purpose of population health screening. Participant phenotype was not available at the time of variant classification. Additional details can be found in publication PMID: 35346344, PMCID: PMC8962531

Color Diagnostics, LLC DBA Color Health
Classification: Uncertain significance for Cardiomyopathy. Last evaluated: 2024-05-02. Review status: criteria provided, single submitter. Criteria: ACMG Guidelines, 2015. Collection method: clinical testing. Allele origin: germline.
Comment: This missense variant replaces proline with leucine at codon 873 of the MYBPC3 protein. Computational prediction tools indicate that this variant has a deleterious impact on protein structure and function. To our knowledge, functional studies have not been reported for this variant. This variant has been reported one individual affected with hypertrophic cardiomyopathy (PMID: 27600940) and in one individual affected with isolated left ventricular non-compaction cardiomyopathy (PMID: 21551322). It has also been reported in two individuals affected with dilated cardiomyopathy as well as in one unaffected relative (PMID: 27173948, 32826072). This variant has been identified in 13/207756 chromosomes in the general population by the Genome Aggregation Database (gnomAD). The available evidence is insufficient to determine the role of this variant in disease conclusively. Therefore, this variant is classified as a Variant of Uncertain Significance.

Women's Health and Genetics/Laboratory Corporation of America, LabCorp
Classification: Uncertain significance. Last evaluated: 2023-08-30. Review status: criteria provided, single submitter. Criteria: LabCorp Variant Classification Summary - May 2015. Collection method: clinical testing. Allele origin: germline.
Comment: Variant summary: MYBPC3 c.2618C>T (p.Pro873Leu) results in a non-conservative amino acid change located in the Fibronectin type III domain (IPR003961) of the encoded protein sequence. Four of four in-silico tools predict a damaging effect of the variant on protein function. The variant allele was found at a frequency of 6.8e-05 in 176378 control chromosomes (gnomAD). The observed variant frequency is approximately two fold of the estimated maximal expected allele frequency for a pathogenic variant in MYBPC3 causing Dilated Cardiomyopathy phenotype (3.1e-05), strongly suggesting that the variant is benign. c.2618C>T has been reported in the literature in individuals affected with left ventricular noncompaction cardiomyopathy, dilated cardiomyopathy and hypertrophic cardiomyopathy (Probst_2011, Haas_2014, Reinstein_2016, Cecconi_2016, Lin_2021). These data indicate that the variant may be associated with disease. To our knowledge, no experimental evidence demonstrating an impact on protein function has been reported. The following publications have been ascertained in the context of this evaluation (PMID: 27066506, 27600940, 25163546, 34819141, 23861362, 21551322, 27173948). Seven submitters have cited clinical-significance assessments for this variant to ClinVar after 2014. All submitters classified the variant as uncertain significance. Based on the evidence outlined above, the variant was classified as VUS-possibly benign.

CHEO Genetics Diagnostic Laboratory, Children's Hospital of Eastern Ontario
Classification: Uncertain significance for Cardiomyopathy. Last evaluated: 2023-05-16. Review status: criteria provided, single submitter. Criteria: ACMG Guidelines, 2015. Collection method: clinical testing. Allele origin: germline.

Fulgent Genetics
Classification: Uncertain significance for Hypertrophic cardiomyopathy 4; Left ventricular noncompaction 10. Last evaluated: 2021-11-22. Review status: criteria provided, single submitter. Criteria: ACMG Guidelines, 2015. Collection method: clinical testing. Allele origin: unknown.

Mendelics
Classification: Uncertain significance for Hypertrophic cardiomyopathy 4. Last evaluated: 2019-05-28. Review status: criteria provided, single submitter. Criteria: Mendelics Assertion Criteria 2017. Collection method: clinical testing. Allele origin: unknown.

Biesecker Lab/Clinical Genomics Section, National Institutes of Health
Classification: Uncertain significance for Cardiomyopathy, hypertrophic. Last evaluated: 2018-04-05. Review status: criteria provided, single submitter. Criteria: ACMG Guidelines, 2015. Collection method: research. Allele origin: unknown. Affected: no. Observed: 1 variant allele.
Comment: The study set was not selected for affection status in relation to arrhythmia or cardiomyopathy. Pathogenicity categories were based on literature curation. See Pubmed ID:25741868 for details.

Medical sequencing

GeneDx
Classification: Uncertain significance. Last evaluated: 2015-10-13. Review status: criteria provided, single submitter. Criteria: GeneDx Variant Classification (06012015). Collection method: clinical testing. Allele origin: germline. Affected: yes.
Comment: This mutation is denoted p.Pro873Leu (aka P873L) at the protein level and c.2618 C>T at the cDNA level. The Pro873Leu mutation in the MYBPC3 gene has been published previously in association with cardiomyopathy (Probst, 2011). Another mutation affecting the same residue (Pro873His) has also been reported in association with HCM (Probst, 2011), further supporting the functional importance of this region of the protein. The variant is found in HCM panel(s).

OMIM
Classification: Pathogenic for LEFT VENTRICULAR NONCOMPACTION 10. Last evaluated: 2011-08-01. Review status: no assertion criteria provided. Collection method: literature only. Allele origin: germline. Not counted in ClinVar's aggregate classification.

Literature cited by the submitters: PubMed 21551322 (cited by 6 submitters); PubMed 25163546 (cited by Labcorp Genetics (formerly Invitae), Labcorp and Women's Health and Genetics/Laboratory Corporation of America, LabCorp); PubMed 27173948 (cited by 5 submitters); PubMed 34819141 (cited by Labcorp Genetics (formerly Invitae), Labcorp and Women's Health and Genetics/Laboratory Corporation of America, LabCorp); PubMed 23861362 (cited by Ambry Genetics and Women's Health and Genetics/Laboratory Corporation of America, LabCorp); PubMed 32826072 (cited by 3 submitters); PubMed 27600940 (cited by 3 submitters); PubMed 27066506 (cited by Women's Health and Genetics/Laboratory Corporation of America, LabCorp).

NM_000256.3(MYBPC3):c.2618C>T (p.Pro873Leu)

Gene: MYBPC3 (myosin binding protein C3; minus strand). Cytogenetic location: 11p11.2.
Variant type: single nucleotide variant.
Coding change: c.2618C>T on transcript NM_000256.3 (MANE Select); coding-DNA position 2618, C replaced by T.
Protein change: p.Pro873Leu; replaces proline 873 with leucine.
Molecular consequence: missense variant.
Genome position (GRCh38, 1-based): chr11:47,335,996, G>A on the plus strand (C>T on the coding strand, the complement: MYBPC3 is on the minus strand). VCF-style: chr11-47335996-G-A. GRCh37 (hg19) VCF-style: chr11-47357547-G-A.
Other names: p.P873L:CCC>CTC; c.2618C>T, p.Pro873Leu (LRG_386t1); short protein forms P873L.
Identifiers: ClinVar variation 64615 (VCV000064615.25), dbSNP rs371401403, ClinGen allele CA012757.